The following is an entry in ClinVar:

ClinVar aggregate classification (germline): Uncertain significance. Review status: criteria provided, single submitter (1 of 4 stars). 2 submissions from 2 submitters: Uncertain significance (1). 1 of the submissions does not count toward it. Last evaluated 2024-11-08.

Conditions:
Colorectal cancer. Also called: Colorectal cancer, somatic; Malignant Colorectal Neoplasm. Identifiers: MedGen C0346629, MONDO:0005575, OMIM 114500.
Hereditary cancer-predisposing syndrome. Also called: Neoplastic Syndromes, Hereditary; Hereditary Cancer Syndrome; Tumor predisposition; Hereditary neoplastic syndrome. Identifiers: Orphanet 140162, MedGen C0027672, MeSH D009386, MONDO:0015356.

Submissions (2):

Ambry Genetics
Classification: Uncertain significance for Hereditary cancer-predisposing syndrome. Last evaluated: 2024-11-08. Review status: criteria provided, single submitter. Criteria: Ambry Variant Classification Scheme 2023. Collection method: clinical testing. Allele origin: germline.
Comment: The c.66_67insG variant, located in coding exon 1 of the POLD1 gene, results from an insertion of one nucleotide at position 66, causing a translational frameshift with a predicted alternate stop codon (p.W23Vfs*3). This alteration is expected to result in protein truncation or nonsense-mediated mRNA decay. However, loss of function of POLD1 has not been established as a mechanism of disease. Based on the available evidence, the clinical significance of this alteration remains unclear.

Genomic Center, National Cancer Institute
Classification: Pathogenic for Colorectal cancer. Review status: no assertion criteria provided. Collection method: case-control. Allele origin: germline. Affected: yes. Not counted in ClinVar's aggregate classification.

NM_002691.4(POLD1):c.66_67insG (p.Trp23fs)

Gene: POLD1 (DNA polymerase delta 1, catalytic subunit; plus strand). Cytogenetic location: 19q13.33.
Variant type: Insertion.
Coding change: c.66_67insG on transcript NM_002691.4 (MANE Select); coding-DNA positions 66 to 67, G inserted.
Protein change: p.Trp23fs; shifts the reading frame from tryptophan 23.
Molecular consequence: frameshift variant. On other transcripts: non-coding transcript variant (1).
Genome position: GRCh38 VCF-style: chr19-50398917-C-CG. GRCh37 (hg19) VCF-style: chr19-50902174-C-CG.
Other names: c.66_67insG (NM_002691.2); c.66_67insG, p.Trp23fs (NM_001256849.1, NM_001308632.1); short protein forms W23fs.
Identifiers: ClinVar variation 998152 (VCV000998152.3), dbSNP rs2038473235, ClinGen allele CA2340880643.